The following is an entry in ClinVar:

NM_022834.5(VWA1):c.620G>A (p.Gly207Asp)

Gene: VWA1 (von Willebrand factor A domain containing 1; plus strand). Cytogenetic location: 1p36.33.
Variant type: single nucleotide variant.
Coding change: c.620G>A on transcript NM_022834.5 (MANE Select); coding-DNA position 620, G replaced by A.
Protein change: p.Gly207Asp; replaces glycine 207 with aspartic acid.
Molecular consequence: missense variant. On other transcripts: 3 prime UTR variant (1).
Genome position (GRCh38, 1-based): chr1:1,437,473, G>A. VCF-style: chr1-1437473-G-A. GRCh37 (hg19) VCF-style: chr1-1372853-G-A.
Other names: c.*30G>A (NM_199121.3); short protein forms G207D.
Identifiers: ClinVar variation 4535506 (VCV004535506.1).

ClinVar aggregate classification (germline): Uncertain significance (1 of 4 stars; one submission).

Submission:

Women's Health and Genetics/Laboratory Corporation of America, LabCorp
Classification: Uncertain significance. Last evaluated: 2025-09-16. Review status: criteria provided, single submitter. Criteria: LabCorp Variant Classification Summary - May 2015. Collection method: clinical testing. Allele origin: germline.
Comment: Variant summary: VWA1 c.620G>A (p.Gly207Asp) results in a non-conservative amino acid change in the encoded protein sequence. Algorithms developed to predict the effect of missense changes on protein structure and function are either unavailable or do not agree on the potential impact of this missense change. The variant was absent in 246632 control chromosomes. The available data on variant occurrences in the general population are insufficient to allow any conclusion about variant significance. To our knowledge, no occurrence of c.620G>A in individuals affected with VWA1-related conditions and no experimental evidence demonstrating its impact on protein function have been reported. No submitters have cited clinical-significance assessments for this variant to ClinVar. Based on the evidence outlined above, the variant was classified as uncertain significance.